The following is an entry in ClinVar:

ClinVar aggregate classification (germline): Uncertain significance (1 of 4 stars; one submission).

Conditions:
Hereditary cancer-predisposing syndrome. Also called: Hereditary Cancer Syndrome; Hereditary neoplastic syndrome; Neoplastic Syndromes, Hereditary; Tumor predisposition. Identifiers: Orphanet 140162, MedGen C0027672, MeSH D009386, MONDO:0015356.

Submission:

Ambry Genetics
Classification: Uncertain significance for Hereditary cancer-predisposing syndrome. Last evaluated: 2025-08-01. Review status: criteria provided, single submitter. Criteria: Ambry Variant Classification Scheme 2023. Collection method: clinical testing. Allele origin: germline.
Comment: The p.G529R variant (also known as c.1585G>A), located in coding exon 10 of the BRIP1 gene, results from a G to A substitution at nucleotide position 1585. The glycine at codon 529 is replaced by arginine, an amino acid with dissimilar properties. This amino acid position is conserved. In addition, the in silico prediction for this alteration is inconclusive. Based on the available evidence, the clinical significance of this variant remains unclear.

NM_032043.3(BRIP1):c.1585G>A (p.Gly529Arg)

Gene: BRIP1 (BRCA1 interacting DNA helicase 1; minus strand). Cytogenetic location: 17q23.2.
Variant type: single nucleotide variant.
Coding change: c.1585G>A on transcript NM_032043.3 (MANE Select); coding-DNA position 1585, G replaced by A.
Protein change: p.Gly529Arg; replaces glycine 529 with arginine.
Molecular consequence: missense variant.
Genome position (GRCh38, 1-based): chr17:61,784,313, C>T on the plus strand (G>A on the coding strand, the complement: BRIP1 is on the minus strand). VCF-style: chr17-61784313-C-T. GRCh37 (hg19) VCF-style: chr17-59861674-C-T.
Other names: short protein forms G529R.
Identifiers: ClinVar variation 4216265 (VCV004216265.1).